The following is an entry in ClinVar:

NM_020944.3(GBA2):c.867C>G (p.Phe289Leu)

Gene: GBA2 (glucosylceramidase beta 2; minus strand). Cytogenetic location: 9p13.3.
Variant type: single nucleotide variant.
Coding change: c.867C>G on transcript NM_020944.3 (MANE Select); coding-DNA position 867, C replaced by G.
Protein change: p.Phe289Leu; replaces phenylalanine 289 with leucine.
Molecular consequence: missense variant.
Genome position (GRCh38, 1-based): chr9:35,740,984, G>C on the plus strand (C>G on the coding strand, the complement: GBA2 is on the minus strand). VCF-style: chr9-35740984-G-C. GRCh37 (hg19) VCF-style: chr9-35740981-G-C.
Other names: c.867C>G, p.Phe289Leu (NM_001330660.2); c.867C>G (NM_020944.2); short protein forms F289L.
Identifiers: ClinVar variation 1438642 (VCV001438642.8), dbSNP rs147741018, ClinGen allele CA5050593.

ClinVar aggregate classification (germline): Uncertain significance. Review status: criteria provided, multiple submitters, no conflicts (2 of 4 stars). 3 submissions from 3 submitters: Uncertain significance (3). Last evaluated 2025-08-08.

Conditions:
Inborn genetic diseases. Identifiers: MedGen C0950123, MeSH D030342.
Spastic paraplegia. Identifiers: MedGen C0037772, HP:0001258.

Allele frequency attached by ClinVar (database versions not stated): ExAC 0.00010; 1000 Genomes Project 30x 0.00016; 1000 Genomes Project 0.00020; ESP Exome Variant Server 0.00038.
gnomAD v4.1: 48 of 1,614,000 alleles (0.003%); highest among the groups gnomAD compares: African/African-American, 0.055%; no homozygotes.

Submissions (3):

Ambry Genetics
Classification: Uncertain significance for Inborn genetic diseases. Last evaluated: 2025-08-08. Review status: criteria provided, single submitter. Criteria: Ambry Variant Classification Scheme 2023. Collection method: clinical testing. Allele origin: germline.

GeneDx
Classification: Uncertain significance. Last evaluated: 2024-09-12. Review status: criteria provided, single submitter. Criteria: GeneDx Variant Classification Process June 2021. Collection method: clinical testing. Allele origin: germline. Affected: yes.
Comment: In silico analysis supports that this missense variant has a deleterious effect on protein structure/function; Has not been previously published as pathogenic or benign to our knowledge

Labcorp Genetics (formerly Invitae), Labcorp
Classification: Uncertain significance for Spastic paraplegia. Last evaluated: 2022-08-01. Review status: criteria provided, single submitter. Criteria: Invitae Variant Classification Sherloc (09022015). Collection method: clinical testing. Allele origin: germline.
Comment: This sequence change replaces phenylalanine, which is neutral and non-polar, with leucine, which is neutral and non-polar, at codon 289 of the GBA2 protein (p.Phe289Leu). This variant is present in population databases (rs147741018, gnomAD 0.1%). This variant has not been reported in the literature in individuals affected with GBA2-related conditions. ClinVar contains an entry for this variant (Variation ID: 1438642). Algorithms developed to predict the effect of missense changes on protein structure and function are either unavailable or do not agree on the potential impact of this missense change (SIFT: "Deleterious"; PolyPhen-2: "Possibly Damaging"; Align-GVGD: "Class C0"). In summary, the available evidence is currently insufficient to determine the role of this variant in disease. Therefore, it has been classified as a Variant of Uncertain Significance.